The following is an entry in ClinVar:

NM_017739.4(POMGNT1):c.1604+1G>A

Genes: POMGNT1 (protein O-linked mannose N-acetylglucosaminyltransferase 1 (beta 1,2-); minus strand), TSPAN1 (tetraspanin 1; plus strand). Cytogenetic location: 1p34.1.
Variant type: single nucleotide variant.
Coding change: c.1604+1G>A on transcript NM_017739.4 (MANE Select); the canonical splice donor site of the intron after coding-DNA position 1604, G replaced by A.
Molecular consequence: splice donor variant.
Genome position (GRCh38, 1-based): chr1:46,190,719, C>T on the plus strand (G>A on the coding strand, the complement: POMGNT1 is on the minus strand). VCF-style: chr1-46190719-C-T. GRCh37 (hg19) VCF-style: chr1-46656391-C-T.
Other names: c.1604+1G>A (NM_001243766.2, NM_001438686.1, NM_001438688.1 and 3 more transcripts); c.1538+1G>A (NM_001290129.3, NM_001438691.1, NM_001438692.1); c.1175+1G>A (NM_001290130.2).
Identifiers: ClinVar variation 553006 (VCV000553006.8), dbSNP rs1553162873, ClinGen allele CA340172288.
Genomic context (GRCh38, chr1:46,190,719, plus strand): 5'-TTCAGGGACTGGCCTCCAAATCTCCTAGATATCCACCCCTTGCCCTGCTGCCAGCCCCAA[C>T]CTGTCCACATTCCTGAGCTGGACACCTGGAACCGTGTTGAACTTGTGCTTCTTGAAGTAG-3'

ClinVar aggregate classification (germline): Likely pathogenic. Review status: criteria provided, single submitter (1 of 4 stars). 2 submissions from 2 submitters: Likely pathogenic (1). 1 of the submissions does not count toward it. Last evaluated 2021-10-19.

Conditions:
Muscular dystrophy-dystroglycanopathy (congenital with brain and eye anomalies), type A3. Also called: Congenital muscular dystrophy-dystroglycanopathy with brain and eye anomalies, type A3; Muscular dystrophy-dystroglycanopathy (congenital with brain and eye anomalies), type A, 3; WALKER-WARBURG SYNDROME OR MUSCLE-EYE-BRAIN DISEASE, POMGNT1-RELATED. Identifiers: MedGen C3151519, MONDO:0009667, OMIM 253280.
Muscular dystrophy-dystroglycanopathy (congenital with impaired intellectual development), type B, 3. Also called: Muscular dystrophy-dystroglycanopathy (congenital with intellectual disability), type B3; MUSCULAR DYSTROPHY, CONGENITAL, POMGNT1-RELATED. Identifiers: MedGen C3150412, MONDO:0013155, OMIM 613151.
Autosomal recessive limb-girdle muscular dystrophy type 2O. Also called: Limb-Girdle Muscular Dystrophy Type 3C; MUSCULAR DYSTROPHY-DYSTROGLYCANOPATHY (LIMB-GIRDLE), TYPE C, 3; MUSCULAR DYSTROPHY-DYSTROGLYCANOPATHY, LIMB-GIRDLE, POMGNT1-RELATED. Identifiers: Orphanet 206564, MedGen C3150417, MONDO:0013161, OMIM 613157.

Submissions (2):

Labcorp Genetics (formerly Invitae), Labcorp
Classification: Likely pathogenic for Autosomal recessive limb-girdle muscular dystrophy type 2O; Muscular dystrophy-dystroglycanopathy (congenital with impaired intellectual development), type B, 3. Last evaluated: 2021-10-19. Review status: criteria provided, single submitter. Criteria: Invitae Variant Classification Sherloc (09022015). Collection method: clinical testing. Allele origin: germline.
Comment: This sequence change affects a donor splice site in intron 18 of the POMGNT1 gene. It is expected to disrupt RNA splicing. Variants that disrupt the donor or acceptor splice site typically lead to a loss of protein function (PMID: 16199547), and loss-of-function variants in POMGNT1 are known to be pathogenic (PMID: 19299310, 20816175, 21447391, 26908613, 27391550). This variant is not present in population databases (ExAC no frequency). This variant has not been reported in the literature in individuals affected with POMGNT1-related conditions. ClinVar contains an entry for this variant (Variation ID: 553006). Algorithms developed to predict the effect of sequence changes on RNA splicing suggest that this variant may disrupt the consensus splice site. In summary, the currently available evidence indicates that the variant is pathogenic, but additional data are needed to prove that conclusively. Therefore, this variant has been classified as Likely Pathogenic.

Counsyl
Classification: Likely pathogenic for Muscular dystrophy-dystroglycanopathy (congenital with brain and eye anomalies), type A3. Last evaluated: 2017-07-25. Review status: no assertion criteria provided. Collection method: clinical testing. Allele origin: unknown. Not counted in ClinVar's aggregate classification.

Literature cited by the submitters: PubMed 16199547 (cited by Labcorp Genetics (formerly Invitae), Labcorp); PubMed 19299310 (cited by Labcorp Genetics (formerly Invitae), Labcorp); PubMed 20816175 (cited by Labcorp Genetics (formerly Invitae), Labcorp); PubMed 21447391 (cited by Labcorp Genetics (formerly Invitae), Labcorp); PubMed 26908613 (cited by Labcorp Genetics (formerly Invitae), Labcorp); PubMed 27391550 (cited by Labcorp Genetics (formerly Invitae), Labcorp).